The following is an entry in ClinVar:

ClinVar aggregate classification (germline): Uncertain significance. Review status: criteria provided, multiple submitters, no conflicts (2 of 4 stars). 2 submissions from 2 submitters: Uncertain significance (2). Last evaluated 2026-06-10.

Conditions:
SLITRK6-related disorder. Also called: SLITRK6-related condition.
Inborn genetic diseases. Identifiers: MedGen C0950123, MeSH D030342.

gnomAD v4.1: 62 of 1,612,978 alleles (0.0038%); highest among the groups gnomAD compares: Non-Finnish European, 0.0049%; no homozygotes.

Submissions (2):

PreventionGenetics, part of Exact Sciences
Classification: Uncertain significance for SLITRK6-related condition. Last evaluated: 2026-06-10. Review status: criteria provided, single submitter. Criteria: ACMG Guidelines, 2015. Collection method: clinical testing. Allele origin: germline.
Comment: The SLITRK6 c.1629C>A variant is predicted to result in the amino acid substitution p.Asp543Glu. To our knowledge, this variant has not been reported in the literature. This variant is reported in 0.0039% of alleles in individuals of European (Non-Finnish) descent in gnomAD. At this time, the clinical significance of this variant is uncertain due to the absence of conclusive functional and genetic evidence.

Ambry Genetics
Classification: Uncertain significance for Inborn genetic diseases. Last evaluated: 2025-04-10. Review status: criteria provided, single submitter. Criteria: Ambry Variant Classification Scheme 2023. Collection method: clinical testing. Allele origin: germline.

NM_032229.3(SLITRK6):c.1629C>A (p.Asp543Glu)

Gene: SLITRK6 (SLIT and NTRK like family member 6; minus strand). Cytogenetic location: 13q31.1.
Variant type: single nucleotide variant.
Coding change: c.1629C>A on transcript NM_032229.3 (MANE Select); coding-DNA position 1629, C replaced by A.
Protein change: p.Asp543Glu; replaces aspartic acid 543 with glutamic acid.
Molecular consequence: missense variant.
Genome position (GRCh38, 1-based): chr13:85,794,880, G>T on the plus strand (C>A on the coding strand, the complement: SLITRK6 is on the minus strand). VCF-style: chr13-85794880-G-T. GRCh37 (hg19) VCF-style: chr13-86369015-G-T.
Other names: short protein forms D543E.
Identifiers: ClinVar variation 3958258 (VCV003958258.2).